The following is an entry in ClinVar:

ClinVar aggregate classification (germline): Uncertain significance (1 of 4 stars; one submission).

Conditions:
Cardiovascular phenotype. Identifiers: MedGen CN230736.
Hereditary cancer-predisposing syndrome. Also called: Hereditary Cancer Syndrome; Neoplastic Syndromes, Hereditary; Tumor predisposition; Hereditary neoplastic syndrome. Identifiers: Orphanet 140162, MedGen C0027672, MeSH D009386, MONDO:0015356.

Submission:

Ambry Genetics
Classification: Uncertain significance for Cardiovascular phenotype; Hereditary cancer-predisposing syndrome. Last evaluated: 2020-08-17. Review status: criteria provided, single submitter. Criteria: Ambry Variant Classification Scheme 2023. Collection method: clinical testing. Allele origin: germline.
Comment: The p.L398Q variant (also known as c.1193T>A), located in coding exon 11 of the NF1 gene, results from a T to A substitution at nucleotide position 1193. The leucine at codon 398 is replaced by glutamine, an amino acid with dissimilar properties. This amino acid position is highly conserved in available vertebrate species. In addition, this alteration is predicted to be deleterious by in silico analysis. Since supporting evidence is limited at this time, the clinical significance of this alteration remains unclear.

NM_001042492.3(NF1):c.1193T>A (p.Leu398Gln)

Gene: NF1 (neurofibromin 1; plus strand). Cytogenetic location: 17q11.2.
Variant type: single nucleotide variant.
Coding change: c.1193T>A on transcript NM_001042492.3 (MANE Select); coding-DNA position 1193, T replaced by A.
Protein change: p.Leu398Gln; replaces leucine 398 with glutamine.
Molecular consequence: missense variant.
Genome position (GRCh38, 1-based): chr17:31,201,418, T>A. VCF-style: chr17-31201418-T-A. GRCh37 (hg19) VCF-style: chr17-29528436-T-A.
Other names: c.1193T>A, p.Leu398Gln (NM_000267.4, NM_001128147.3); short protein forms L398Q.
Identifiers: ClinVar variation 1745503 (VCV001745503.2), dbSNP rs2143885677, ClinGen allele CA398997432.